The following is an entry in ClinVar:

NM_152545.3(RASGEF1B):c.1189G>A (p.Val397Ile)

Gene: RASGEF1B (RasGEF domain family member 1B; minus strand). Cytogenetic location: 4q21.21.
Variant type: single nucleotide variant.
Coding change: c.1189G>A on transcript NM_152545.3 (MANE Select); coding-DNA position 1189, G replaced by A.
Protein change: p.Val397Ile; replaces valine 397 with isoleucine.
Molecular consequence: missense variant.
Genome position (GRCh38, 1-based): chr4:81,434,650, C>T on the plus strand (G>A on the coding strand, the complement: RASGEF1B is on the minus strand). VCF-style: chr4-81434650-C-T. GRCh37 (hg19) VCF-style: chr4-82355804-C-T.
Other names: c.1186G>A, p.Val396Ile (NM_001300735.2); c.1063G>A, p.Val355Ile (NM_001300736.2); short protein forms V355I, V396I, V397I.
Identifiers: ClinVar variation 3041994 (VCV003041994.2), dbSNP rs34211143, ClinGen allele CA2984124.

ClinVar aggregate classification (germline): Benign (0 of 4 stars; one submission).

Conditions:
RASGEF1B-related disorder. Also called: RASGEF1B-related condition.

Allele frequency attached by ClinVar (database versions not stated): 1000 Genomes Project 30x 0.00593; 1000 Genomes Project 0.00599; ExAC 0.00949; gnomAD 0.00966; TOPMed 0.01076; ESP Exome Variant Server 0.01138; gnomAD exomes 0.01361.
gnomAD v4.1: 20,973 of 1,590,554 alleles (1.3%); highest among the groups gnomAD compares: Middle Eastern, 1.9%; 184 homozygotes.

Submission:

PreventionGenetics, part of Exact Sciences
Classification: Benign for RASGEF1B-related condition. Last evaluated: 2020-02-14. Review status: no assertion criteria provided. Collection method: clinical testing. Allele origin: germline.
Comment: This variant is classified as benign based on ACMG/AMP sequence variant interpretation guidelines (Richards et al. 2015 PMID: 25741868, with internal and published modifications).